The following is an entry in ClinVar:

NM_018975.4(TERF2IP):c.679A>G (p.Asn227Asp)

Gene: TERF2IP (TERF2 interacting protein; plus strand). Cytogenetic location: 16q23.1.
Variant type: single nucleotide variant.
Coding change: c.679A>G on transcript NM_018975.4 (MANE Select); coding-DNA position 679, A replaced by G.
Protein change: p.Asn227Asp; replaces asparagine 227 with aspartic acid.
Molecular consequence: missense variant. On other transcripts: non-coding transcript variant (1).
Genome position (GRCh38, 1-based): chr16:75,654,281, A>G. VCF-style: chr16-75654281-A-G. GRCh37 (hg19) VCF-style: chr16-75688179-A-G.
Other names: short protein forms N227D.
Identifiers: ClinVar variation 3227194 (VCV003227194.1), dbSNP rs2507086209, ClinGen allele CA396818907.

ClinVar aggregate classification (germline): Uncertain significance (1 of 4 stars; one submission).

Allele frequency attached by ClinVar (database versions not stated): gnomAD exomes below 0.00001.
gnomAD v4.1: 1 of 1,613,542 alleles (0.000062%); highest among the groups gnomAD compares: East Asian, 0.0022%; no homozygotes.

Submission:

Ambry Genetics
Classification: Uncertain significance. Last evaluated: 2024-01-27. Review status: criteria provided, single submitter. Criteria: Ambry Variant Classification Scheme 2023. Collection method: clinical testing. Allele origin: germline.
Comment: The p.N227D variant (also known as c.679A>G), located in coding exon 2 of the TERF2IP gene, results from an A to G substitution at nucleotide position 679. The asparagine at codon 227 is replaced by aspartic acid, an amino acid with highly similar properties. This amino acid position is conserved. In addition, this alteration is predicted to be tolerated by in silico analysis. Based on the available evidence, the clinical significance of this alteration remains unclear.